The following is an entry in ClinVar:

NM_017780.4(CHD7):c.552G>T (p.Gln184His)

Gene: CHD7 (chromodomain helicase DNA binding protein 7; plus strand). Cytogenetic location: 8q12.2.
Variant type: single nucleotide variant.
Coding change: c.552G>T on transcript NM_017780.4 (MANE Select); coding-DNA position 552, G replaced by T.
Protein change: p.Gln184His; replaces glutamine 184 with histidine.
Molecular consequence: missense variant.
Genome position (GRCh38, 1-based): chr8:60,741,984, G>T. VCF-style: chr8-60741984-G-T. GRCh37 (hg19) VCF-style: chr8-61654543-G-T.
Other names: c.552G>T, p.Gln184His (NM_001316690.1); short protein forms Q184H.
Identifiers: ClinVar variation 3637085 (VCV003637085.2).

ClinVar aggregate classification (germline): Uncertain significance (1 of 4 stars; one submission).

Conditions:
CHARGE syndrome (CHARGE). Also called: Hittner Hirsch Kreh syndrome; CHARGE ASSOCIATION--COLOBOMA, HEART ANOMALY, CHOANAL ATRESIA, RETARDATION, GENITAL AND EAR ANOMALIES; Coloboma, heart anomaly, choanal atresia, retardation, genital and ear anomalies; CHARGE association; Hall-Hittner syndrome. Identifiers: Orphanet 138, MedGen C0265354, MONDO:0008965.

gnomAD v4.1: 4 of 1,613,770 alleles (0.00025%); highest among the groups gnomAD compares: Non-Finnish European, 0.00034%; no homozygotes.

Submission:

Labcorp Genetics (formerly Invitae), Labcorp
Classification: Uncertain significance for CHARGE syndrome. Last evaluated: 2024-10-12. Review status: criteria provided, single submitter. Criteria: Invitae Variant Classification Sherloc (09022015). Collection method: clinical testing. Allele origin: germline.
Comment: This sequence change replaces glutamine, which is neutral and polar, with histidine, which is basic and polar, at codon 184 of the CHD7 protein (p.Gln184His). This variant is not present in population databases (gnomAD no frequency). This variant has not been reported in the literature in individuals affected with CHD7-related conditions. Invitae Evidence Modeling of protein sequence and biophysical properties (such as structural, functional, and spatial information, amino acid conservation, physicochemical variation, residue mobility, and thermodynamic stability) indicates that this missense variant is not expected to disrupt CHD7 protein function with a negative predictive value of 95%. In summary, the available evidence is currently insufficient to determine the role of this variant in disease. Therefore, it has been classified as a Variant of Uncertain Significance.